The following is an entry in ClinVar:

ClinVar aggregate classification (germline): Uncertain significance (1 of 4 stars; one submission).

Conditions:
Hereditary cancer-predisposing syndrome. Also called: Tumor predisposition; Hereditary neoplastic syndrome; Hereditary Cancer Syndrome; Neoplastic Syndromes, Hereditary. Identifiers: Orphanet 140162, MedGen C0027672, MeSH D009386, MONDO:0015356.

Submission:

Ambry Genetics
Classification: Uncertain significance for Hereditary cancer-predisposing syndrome. Last evaluated: 2025-04-11. Review status: criteria provided, single submitter. Criteria: Ambry Variant Classification Scheme 2023. Collection method: clinical testing. Allele origin: germline.
Comment: The p.E902D variant (also known as c.2706G>T), located in coding exon 15 of the RET gene, results from a G to T substitution at nucleotide position 2706. The glutamic acid at codon 902 is replaced by aspartic acid, an amino acid with highly similar properties. This amino acid position is conserved. In addition, the in silico prediction for this alteration is inconclusive. Based on the available evidence, the clinical significance of this variant remains unclear.

NM_020975.6(RET):c.2706G>T (p.Glu902Asp)

Gene: RET (ret proto-oncogene; plus strand). Cytogenetic location: 10q11.21.
Variant type: single nucleotide variant.
Coding change: c.2706G>T on transcript NM_020975.6 (MANE Select); coding-DNA position 2706, G replaced by T.
Protein change: p.Glu902Asp; replaces glutamic acid 902 with aspartic acid.
Molecular consequence: missense variant.
Genome position (GRCh38, 1-based): chr10:43,120,179, G>T. VCF-style: chr10-43120179-G-T. GRCh37 (hg19) VCF-style: chr10-43615627-G-T.
Other names: c.2571G>T, p.Glu857Asp (NM_001406765.1, NM_001406763.1); c.2418G>T, p.Glu806Asp (NM_001406766.1, NM_001406767.1, NM_001406770.1); c.2442G>T, p.Glu814Asp (NM_001406768.1); c.2310G>T, p.Glu770Asp (NM_001406769.1, NM_001406772.1); c.2268G>T, p.Glu756Asp (NM_001406771.1, NM_001406773.1); c.2181G>T, p.Glu727Asp (NM_001406774.1); c.1716G>T, p.Glu572Asp (NM_001406784.1); c.1689G>T, p.Glu563Asp (NM_001406785.1); and 10 more; short protein forms E419D, E507D, E572D, E648D, E770D, E857D, E859D, E558D.
Identifiers: ClinVar variation 3944687 (VCV003944687.1).
Genomic context (GRCh38, chr10:43,120,179, plus strand): 5'-AGCTGAGGGGCGGAAGATGAAGATTTCGGATTTCGGCTTGTCCCGAGATGTTTATGAAGA[G>T]GATTCCTACGTGAAGAGGAGCCAGGTGCCCAGTCCCGGGGATGAGGCGGGGCTCCCAGGG-3'
Protein context (NP_066124.1, residues 892-912): DFGLSRDVYE[Glu902Asp]DSYVKRSQGR